The following is an entry in ClinVar:

NM_031407.7(HUWE1):c.2078G>A (p.Arg693Lys)

Gene: HUWE1 (HECT, UBA and WWE domain containing E3 ubiquitin protein ligase 1; minus strand). Cytogenetic location: Xp11.22.
Variant type: single nucleotide variant.
Coding change: c.2078G>A on transcript NM_031407.7 (MANE Select); coding-DNA position 2078, G replaced by A.
Protein change: p.Arg693Lys; replaces arginine 693 with lysine.
Molecular consequence: missense variant.
Genome position (GRCh38, 1-based): chrX:53,614,717, C>T on the plus strand (G>A on the coding strand, the complement: HUWE1 is on the minus strand). VCF-style: chrX-53614717-C-T. GRCh37 (hg19) VCF-style: chrX-53641678-C-T.
Other names: short protein forms R693K.
Identifiers: ClinVar variation 2255480 (VCV002255480.7), dbSNP rs782037819, ClinGen allele CA10422755.

ClinVar aggregate classification (germline): Uncertain significance. Review status: criteria provided, multiple submitters, no conflicts (2 of 4 stars). 2 submissions from 2 submitters: Uncertain significance (2). Last evaluated 2025-12-01.

Conditions:
Inborn genetic diseases. Identifiers: MedGen C0950123, MeSH D030342.

Submissions (2):

CeGaT Center for Human Genetics Tuebingen
Classification: Uncertain significance. Last evaluated: 2025-12-01. Review status: criteria provided, single submitter. Criteria: CeGaT Center For Human Genetics Tuebingen Variant Classification Criteria Version 2. Collection method: clinical testing. Allele origin: germline. Affected: yes. Observed: 1 variant allele.
Comment: HUWE1: PM2, PP2

Ambry Genetics
Classification: Uncertain significance for Inborn genetic diseases. Last evaluated: 2024-01-18. Review status: criteria provided, single submitter. Criteria: Ambry Variant Classification Scheme 2023. Collection method: clinical testing. Allele origin: germline.
Comment: The c.2078G>A (p.R693K) alteration is located in exon 23 (coding exon 20) of the HUWE1 gene. This alteration results from a G to A substitution at nucleotide position 2078, causing the arginine (R) at amino acid position 693 to be replaced by a lysine (K). This variant was not reported in population-based cohorts in the Genome Aggregation Database (gnomAD). This amino acid position is highly conserved in available vertebrate species. This alteration is predicted to be tolerated by in silico analysis. Based on insufficient or conflicting evidence, the clinical significance of this alteration remains unclear.